The following is an entry in ClinVar:

ClinVar aggregate classification (germline): Pathogenic (1 of 4 stars; one submission).

Submission:

Labcorp Genetics (formerly Invitae), Labcorp
Classification: Pathogenic. Last evaluated: 2024-01-08. Review status: criteria provided, single submitter. Criteria: Invitae Variant Classification Sherloc (09022015). Collection method: clinical testing. Allele origin: germline.
Comment: This sequence change creates a premature translational stop signal (p.Asp661Glufs*18) in the VLDLR gene. It is expected to result in an absent or disrupted protein product. Loss-of-function variants in VLDLR are known to be pathogenic (PMID: 18043714, 18326629, 22532556). This variant is not present in population databases (gnomAD no frequency). This variant has not been reported in the literature in individuals affected with VLDLR-related conditions. For these reasons, this variant has been classified as Pathogenic.

Literature cited by the submitters: PubMed 18043714; PubMed 18326629; PubMed 22532556.

NM_003383.5(VLDLR):c.1983del (p.Asp661fs)

Gene: VLDLR (very low density lipoprotein receptor; plus strand). Cytogenetic location: 9p24.2.
Variant type: Deletion.
Coding change: c.1983del on transcript NM_003383.5 (MANE Select); coding-DNA position 1983, one base deleted (T; older notation c.1983delT).
Protein change: p.Asp661fs; shifts the reading frame from aspartic acid 661.
Molecular consequence: frameshift variant.
Genome position (GRCh38, 1-based): chr9:2,648,689, T deleted. VCF-style (leftmost placement, unchanged base first): chr9-2648688-AT-A. GRCh37 (hg19) VCF-style: chr9-2648688-AT-A.
Other names: c.1983del, p.Asp661fs (NM_001018056.3); c.1860del, p.Asp620fs (NM_001322225.2, NM_001322226.2); short protein forms D620fs, D661fs.
Identifiers: ClinVar variation 2708334 (VCV002708334.3), dbSNP rs2488737991, ClinGen allele CA2697550284.